The following is an entry in ClinVar:

NM_017617.5(NOTCH1):c.2691C>T (p.Ala897=)

Gene: NOTCH1 (notch receptor 1; minus strand). Cytogenetic location: 9q34.3.
Variant type: single nucleotide variant.
Coding change: c.2691C>T on transcript NM_017617.5 (MANE Select); coding-DNA position 2691, C replaced by T.
Protein change: p.Ala897=; no amino-acid change (alanine 897 retained).
Molecular consequence: synonymous variant.
Genome position (GRCh38, 1-based): chr9:136,510,702, G>A on the plus strand (C>T on the coding strand, the complement: NOTCH1 is on the minus strand). VCF-style: chr9-136510702-G-A. GRCh37 (hg19) VCF-style: chr9-139405154-G-A.
Other names: p.Ala897=; c.2691C>T (NM_017617.4); c.2691C>T, p.Ala897= (LRG_1122t1).
Identifiers: ClinVar variation 220988 (VCV000220988.44), dbSNP rs11574895, ClinGen allele CA350759.

ClinVar aggregate classification (germline): Benign. Review status: criteria provided, multiple submitters, no conflicts (2 of 4 stars). 15 submissions from 14 submitters: Benign (12). 3 of the submissions do not count toward it. Last evaluated 2026-02-04.

Conditions:
Adams-Oliver syndrome 5 (AOS5). Identifiers: Orphanet 974, MedGen C4014970, MONDO:0014459, OMIM 616028.
Familial thoracic aortic aneurysm and aortic dissection (TAAD). Also called: Thoracic aortic aneurysms and dissections. Identifiers: Orphanet 91387, MedGen C4707243, MONDO:0019625.
Aortic valve disease 1 (AOVD1). Identifiers: MedGen C3887892, MONDO:0024523, OMIM 109730.

Allele frequency attached by ClinVar (database versions not stated): 1000 Genomes Project 30x 0.00468; 1000 Genomes Project 0.00499; gnomAD 0.01100 and 0.01135; TOPMed 0.01170; gnomAD exomes 0.01223 and 0.01635; ExAC 0.01348; ESP Exome Variant Server 0.01402.
gnomAD v4.1: 25,401 of 1,610,306 alleles (1.6%); highest among the groups gnomAD compares: Non-Finnish European, 1.9%; 218 homozygotes.

Submissions (15):

Labcorp Genetics (formerly Invitae), Labcorp
Classification: Benign for Adams-Oliver syndrome 5. Last evaluated: 2026-02-04. Review status: criteria provided, single submitter. Criteria: Invitae Variant Classification Sherloc (09022015). Collection method: clinical testing. Allele origin: germline.

ARUP Laboratories, Molecular Genetics and Genomics, ARUP Laboratories
Classification: Benign. Last evaluated: 2025-06-11. Review status: criteria provided, single submitter. Criteria: ARUP Molecular Germline Variant Investigation Process 2024. Collection method: clinical testing. Allele origin: germline.

CeGaT Center for Human Genetics Tuebingen
Classification: Benign. Last evaluated: 2025-02-01. Review status: criteria provided, single submitter. Criteria: CeGaT Center For Human Genetics Tuebingen Variant Classification Criteria Version 2. Collection method: clinical testing. Allele origin: germline. Affected: yes. Observed: 1 variant allele.
Comment: NOTCH1: BP4, BP7, BS1, BS2

Blueprint Genetics
Classification: Benign. Last evaluated: 2024-11-27. Review status: criteria provided, single submitter. Criteria: ACMG Guidelines, 2015. Collection method: clinical testing. Allele origin: germline.

Women's Health and Genetics/Laboratory Corporation of America, LabCorp
Classification: Benign. Last evaluated: 2023-07-21. Review status: criteria provided, single submitter. Criteria: LabCorp Variant Classification Summary - May 2015. Collection method: clinical testing. Allele origin: germline.

Mayo Clinic Laboratories, Mayo Clinic
Classification: Benign. Last evaluated: 2022-06-21. Review status: criteria provided, single submitter. Criteria: ACMG Guidelines, 2015. Collection method: clinical testing. Allele origin: germline. Observed: 50 variant alleles.
Comment: BS1, BS2, BP4, BP7

Genome-Nilou Lab
Classification: Benign for Adams-Oliver syndrome 5. Last evaluated: 2022-03-15. Review status: criteria provided, single submitter. Criteria: ACMG Guidelines, 2015. Collection method: clinical testing. Allele origin: germline. Affected: no.

Genome-Nilou Lab
Classification: Benign for Aortic valve disease 1. Last evaluated: 2022-03-15. Review status: criteria provided, single submitter. Criteria: ACMG Guidelines, 2015. Collection method: clinical testing. Allele origin: germline. Affected: no.

GeneDx
Classification: Benign. Last evaluated: 2016-10-11. Review status: criteria provided, single submitter. Criteria: GeneDx Variant Classification (06012015). Collection method: clinical testing. Allele origin: germline. Affected: yes.
Comment: This variant is considered likely benign or benign based on one or more of the following criteria: it is a conservative change, it occurs at a poorly conserved position in the protein, it is predicted to be benign by multiple in silico algorithms, and/or has population frequency not consistent with disease.

Eurofins Ntd Llc (ga)
Classification: Benign. Last evaluated: 2016-06-27. Review status: criteria provided, single submitter. Criteria: EGL Classification Definitions 2015. Collection method: clinical testing. Allele origin: germline. Observed: 1 variant allele, 1 heterozygote.

Ambry Genetics
Classification: Benign for Familial thoracic aortic aneurysm and aortic dissection. Last evaluated: 2015-02-20. Review status: criteria provided, single submitter. Criteria: Ambry Variant Classification Scheme 2023. Collection method: clinical testing. Allele origin: germline.

Breakthrough Genomics
Classification: Benign. Review status: criteria provided, single submitter. Criteria: ACMG Guidelines, 2015. Collection method: not provided. Allele origin: germline. Inheritance: Autosomal dominant inheritance. Affected: yes.

Clinical Genetics DNA and cytogenetics Diagnostics Lab, Erasmus MC, Erasmus Medical Center
Classification: Benign. Review status: no assertion criteria provided. Collection method: clinical testing. Allele origin: germline. Affected: yes. Study: VKGL Data-share Consensus. Not counted in ClinVar's aggregate classification.

Genome Diagnostics Laboratory, Amsterdam University Medical Center
Classification: Benign. Review status: no assertion criteria provided. Collection method: clinical testing. Allele origin: germline. Affected: yes. Study: VKGL Data-share Consensus. Not counted in ClinVar's aggregate classification.

Joint Genome Diagnostic Labs from Nijmegen and Maastricht, Radboudumc and MUMC+
Classification: Likely benign. Review status: no assertion criteria provided. Collection method: clinical testing. Allele origin: germline. Affected: yes. Study: VKGL Data-share Consensus. Not counted in ClinVar's aggregate classification.

Literature cited by the submitters: PubMed 24943832 (cited by Women's Health and Genetics/Laboratory Corporation of America, LabCorp); PubMed 16614245 (cited by Women's Health and Genetics/Laboratory Corporation of America, LabCorp); PubMed 21670202 (cited by Women's Health and Genetics/Laboratory Corporation of America, LabCorp); PubMed 22210878 (cited by Women's Health and Genetics/Laboratory Corporation of America, LabCorp); PubMed 19635999 (cited by Women's Health and Genetics/Laboratory Corporation of America, LabCorp); PubMed 26837699 (cited by Women's Health and Genetics/Laboratory Corporation of America, LabCorp); PubMed 23086750 (cited by Women's Health and Genetics/Laboratory Corporation of America, LabCorp); PubMed 19245433 (cited by Women's Health and Genetics/Laboratory Corporation of America, LabCorp); PubMed 22077063 (cited by Women's Health and Genetics/Laboratory Corporation of America, LabCorp); PubMed 15472075 (cited by Women's Health and Genetics/Laboratory Corporation of America, LabCorp); PubMed 23734977 (cited by Women's Health and Genetics/Laboratory Corporation of America, LabCorp); PubMed 22858860 (cited by Women's Health and Genetics/Laboratory Corporation of America, LabCorp).